The following is an entry in ClinVar:

NM_001042492.3(NF1):c.4716dup (p.Met1573fs)

Gene: NF1 (neurofibromin 1; plus strand). Cytogenetic location: 17q11.2.
Variant type: Duplication.
Coding change: c.4716dup on transcript NM_001042492.3 (MANE Select); coding-DNA position 4716, one base duplicated (T; older notation c.4716dupT).
Protein change: p.Met1573fs; shifts the reading frame from methionine 1573.
Molecular consequence: frameshift variant.
Genome position (GRCh38, 1-based): chr17:31,261,849, T duplicated; the last of 3 consecutive T bases (chr17:31,261,847-31,261,849); duplicating any one gives the same sequence. VCF-style (leftmost placement, unchanged base first): chr17-31261846-A-AT. GRCh37 (hg19) VCF-style: chr17-29588864-A-AT.
Other names: c.4653dup, p.Met1552Tyrfs (NM_000267.4); short protein forms M1573fs, M1552fs.
Identifiers: ClinVar variation 2099062 (VCV002099062.4), dbSNP rs2508430968, ClinGen allele CA2580093316.

ClinVar aggregate classification (germline): Pathogenic (1 of 4 stars; one submission).

Conditions:
Neurofibromatosis, type 1 (NF1). Also called: Peripheral type neurofibromatosis; NEUROFIBROMATOSIS, TYPE I, SOMATIC; VON RECKLINGHAUSEN DISEASE; Neurofibromatosis, type I. Identifiers: Orphanet 636, MedGen C0027831, MONDO:0018975, OMIM 162200. Disease mechanism: loss of function.

Submission:

Labcorp Genetics (formerly Invitae), Labcorp
Classification: Pathogenic for Neurofibromatosis, type 1. Last evaluated: 2022-10-19. Review status: criteria provided, single submitter. Criteria: Invitae Variant Classification Sherloc (09022015). Collection method: clinical testing. Allele origin: germline.
Comment: This variant is not present in population databases (gnomAD no frequency). For these reasons, this variant has been classified as Pathogenic. This premature translational stop signal has been observed in individual(s) with clinical features of NF1-related conditions (PMID: 31776437). This sequence change creates a premature translational stop signal (p.Met1552Tyrfs*3) in the NF1 gene. It is expected to result in an absent or disrupted protein product. Loss-of-function variants in NF1 are known to be pathogenic (PMID: 10712197, 23913538).

Literature cited by the submitters: PubMed 31776437; PubMed 10712197; PubMed 23913538.